The following is an entry in ClinVar:

ClinVar aggregate classification (germline): Uncertain significance (1 of 4 stars; one submission).

Conditions:
Severe early-onset pulmonary alveolar proteinosis due to MARS deficiency. Also called: PULMONARY ALVEOLAR PROTEINOSIS, REUNION ISLAND; Interstitial lung and liver disease. Identifiers: Orphanet 440427, MedGen C4225400, MONDO:0014206, OMIM 615486.
Charcot-Marie-Tooth disease axonal type 2U. Also called: CHARCOT-MARIE-TOOTH NEUROPATHY, TYPE 2U; CHARCOT-MARIE-TOOTH DISEASE, AXONAL, AUTOSOMAL DOMINANT, TYPE 2U. Identifiers: Orphanet 397735, MedGen C4084821, MONDO:0014566, OMIM 616280.

Submission:

Labcorp Genetics (formerly Invitae), Labcorp
Classification: Uncertain significance for Charcot-Marie-Tooth disease axonal type 2U; Severe early-onset pulmonary alveolar proteinosis due to MARS deficiency. Last evaluated: 2021-03-17. Review status: criteria provided, single submitter. Criteria: Invitae Variant Classification Sherloc (09022015). Collection method: clinical testing. Allele origin: germline.
Comment: This sequence change affects an acceptor splice site in intron 14 of the MARS gene. It is expected to disrupt RNA splicing. Variants that disrupt the donor or acceptor splice site typically lead to a loss of protein function (PMID: 16199547), however the current clinical and genetic evidence is not sufficient to establish whether loss-of-function variants in MARS cause disease. This variant is not present in population databases (ExAC no frequency). This variant has not been reported in the literature in individuals with MARS-related conditions. Algorithms developed to predict the effect of sequence changes on RNA splicing suggest that this variant may disrupt the consensus splice site, but this prediction has not been confirmed by published transcriptional studies. In summary, the available evidence is currently insufficient to determine the role of this variant in disease. Therefore, it has been classified as a Variant of Uncertain Significance.

Literature cited by the submitters: PubMed 16199547.

NM_004990.4(MARS1):c.1754-1G>A

Genes: MARS1 (methionyl-tRNA synthetase 1; plus strand), MIR6758 (microRNA 6758; plus strand). Cytogenetic location: 12q13.3.
Variant type: single nucleotide variant.
Coding change: c.1754-1G>A on transcript NM_004990.4 (MANE Select); the canonical splice acceptor site of the intron before coding-DNA position 1754, G replaced by A.
Molecular consequence: splice acceptor variant. On other transcripts: non-coding transcript variant (1).
Genome position (GRCh38, 1-based): chr12:57,512,750, G>A. VCF-style: chr12-57512750-G-A. GRCh37 (hg19) VCF-style: chr12-57906533-G-A.
Identifiers: ClinVar variation 1681755 (VCV001681755.8), dbSNP rs1594833474, ClinGen allele CA385462741.